The following is an entry in ClinVar:

ClinVar aggregate classification (germline): Uncertain significance (1 of 4 stars; one submission).

Conditions:
SEMA3D-related disorder. Also called: SEMA3D-related condition.

Submission:

PreventionGenetics, part of Exact Sciences
Classification: Uncertain significance for SEMA3D-related condition. Last evaluated: 2026-07-21. Review status: criteria provided, single submitter. Criteria: ACMG Guidelines, 2015. Collection method: clinical testing. Allele origin: germline.
Comment: The SEMA3D c.1412C>G variant is predicted to result in the amino acid substitution p.Thr471Arg. To our knowledge, this variant has not been reported in the literature or in a large population database (gnomAD), indicating this variant is rare. At this time, the clinical significance of this variant is uncertain due to the absence of conclusive functional and genetic evidence.

NM_001384900.1(SEMA3D):c.1412C>G (p.Thr471Arg)

Gene: SEMA3D (semaphorin 3D; minus strand). Cytogenetic location: 7q21.11.
Variant type: single nucleotide variant.
Coding change: c.1412C>G on transcript NM_001384900.1 (MANE Select); coding-DNA position 1412, C replaced by G.
Protein change: p.Thr471Arg; replaces threonine 471 with arginine.
Molecular consequence: missense variant.
Genome position (GRCh38, 1-based): chr7:85,022,393, G>C on the plus strand (C>G on the coding strand, the complement: SEMA3D is on the minus strand). VCF-style: chr7-85022393-G-C. GRCh37 (hg19) VCF-style: chr7-84651709-G-C.
Other names: c.1412C>G, p.Thr471Arg (NM_001384901.1, NM_001384902.1, NM_001384903.1 and 1 more transcripts); short protein forms T471R.
Identifiers: ClinVar variation 4995234 (VCV004995234.1).